The following is an entry in ClinVar:

NM_014845.6(FIG4):c.1584-3T>C

Gene: FIG4 (FIG4 phosphoinositide 5-phosphatase; plus strand). Cytogenetic location: 6q21.
Variant type: single nucleotide variant.
Coding change: c.1584-3T>C on transcript NM_014845.6 (MANE Select); 3 bases into the intron before coding-DNA position 1584, T replaced by C.
Molecular consequence: intron variant.
Genome position (GRCh38, 1-based): chr6:109,766,726, T>C. VCF-style: chr6-109766726-T-C. GRCh37 (hg19) VCF-style: chr6-110087929-T-C.
Identifiers: ClinVar variation 2113456 (VCV002113456.4), dbSNP rs2486185453, ClinGen allele CA2580074987.

ClinVar aggregate classification (germline): Uncertain significance (1 of 4 stars; one submission).

Conditions:
Charcot-Marie-Tooth disease type 4. Also called: Charcot-Marie-Tooth disease, type IV; Charcot-Marie-Tooth, Type 4. Identifiers: Orphanet 64749, MedGen C4082197, MONDO:0018995.

Submission:

Labcorp Genetics (formerly Invitae), Labcorp
Classification: Uncertain significance for Charcot-Marie-Tooth disease type 4. Last evaluated: 2025-01-13. Review status: criteria provided, single submitter. Criteria: Invitae Variant Classification Sherloc (09022015). Collection method: clinical testing. Allele origin: germline.
Comment: This sequence change falls in intron 14 of the FIG4 gene. It does not directly change the encoded amino acid sequence of the FIG4 protein. It affects a nucleotide within the consensus splice site. This variant is not present in population databases (gnomAD no frequency). This variant has not been reported in the literature in individuals affected with FIG4-related conditions. ClinVar contains an entry for this variant (Variation ID: 2113456). Variants that disrupt the consensus splice site are a relatively common cause of aberrant splicing (PMID: 17576681, 9536098). Algorithms developed to predict the effect of sequence changes on RNA splicing suggest that this variant is not likely to affect RNA splicing. In summary, the available evidence is currently insufficient to determine the role of this variant in disease. Therefore, it has been classified as a Variant of Uncertain Significance.

Literature cited by the submitters: PubMed 17576681; PubMed 9536098.